The following is an entry in ClinVar:

ClinVar aggregate classification (germline): Benign. Review status: criteria provided, multiple submitters, no conflicts (2 of 4 stars). 3 submissions from 3 submitters: Benign (2). 1 of the submissions does not count toward it. Last evaluated 2026-01-12.

Conditions:
KRT71-related disorder. Also called: KRT71-related condition.

Allele frequency attached by ClinVar (database versions not stated): gnomAD exomes 0.00918; ExAC 0.01051; 1000 Genomes Project 0.01378; ESP Exome Variant Server 0.01385; gnomAD 0.01420 and 0.01494; 1000 Genomes Project 30x 0.01468; TOPMed 0.01476.
gnomAD v4.1: 15,454 of 1,595,506 alleles (0.97%); highest among the groups gnomAD compares: African/African-American, 2.7%; 102 homozygotes.

Submissions (3):

Labcorp Genetics (formerly Invitae), Labcorp
Classification: Benign. Last evaluated: 2026-01-12. Review status: criteria provided, single submitter. Criteria: Invitae Variant Classification Sherloc (09022015). Collection method: clinical testing. Allele origin: germline.

Breakthrough Genomics
Classification: Benign. Review status: criteria provided, single submitter. Criteria: ACMG Guidelines, 2015. Collection method: not provided. Allele origin: germline. Inheritance: Autosomal dominant inheritance. Affected: yes.

PreventionGenetics, part of Exact Sciences
Classification: Benign for KRT71-related condition. Last evaluated: 2019-10-22. Review status: no assertion criteria provided. Collection method: clinical testing. Allele origin: germline. Not counted in ClinVar's aggregate classification.
Comment: This variant is classified as benign based on ACMG/AMP sequence variant interpretation guidelines (Richards et al. 2015 PMID: 25741868, with internal and published modifications).

NM_033448.3(KRT71):c.37G>A (p.Ala13Thr)

Gene: KRT71 (keratin 71; minus strand). Cytogenetic location: 12q13.13.
Variant type: single nucleotide variant.
Coding change: c.37G>A on transcript NM_033448.3 (MANE Select); coding-DNA position 37, G replaced by A.
Protein change: p.Ala13Thr; replaces alanine 13 with threonine.
Molecular consequence: missense variant.
Genome position (GRCh38, 1-based): chr12:52,553,041, C>T on the plus strand (G>A on the coding strand, the complement: KRT71 is on the minus strand). VCF-style: chr12-52553041-C-T. GRCh37 (hg19) VCF-style: chr12-52946825-C-T.
Other names: c.37G>A (NM_033448.2); short protein forms A13T.
Identifiers: ClinVar variation 1601307 (VCV001601307.11), dbSNP rs74095123, ClinGen allele CA6583571.
Genomic context (GRCh38, chr12:52,553,041, plus strand): 5'-GGAAGGAGGATGAGCTGCCCCCTGAGAGCACAGCTGAGCAGCCACTGAAGCCCCCCTTGG[C>T]GGCAGCTCCCGACTTGCAGGTGAATTGGCGGCTCATGTTGCTGGTGGAGACAAAGCTCAG-3'
Protein context (NP_258259.1, residues 3-23): RQFTCKSGAA[Ala13Thr]KGGFSGCSAV